The following is an entry in ClinVar:

NM_001395656.1(ROBO2):c.4341C>T (p.Gly1447=)

Gene: ROBO2 (roundabout guidance receptor 2; plus strand). Cytogenetic location: 3p12.3.
Variant type: single nucleotide variant.
Coding change: c.4341C>T on transcript NM_001395656.1 (MANE Select); coding-DNA position 4341, C replaced by T.
Protein change: p.Gly1447=; no amino-acid change (glycine 1447 retained).
Molecular consequence: synonymous variant.
Genome position (GRCh38, 1-based): chr3:77,644,825, C>T. VCF-style: chr3-77644825-C-T. GRCh37 (hg19) VCF-style: chr3-77693976-C-T.
Other names: c.2277C>T, p.Gly759= (NM_001290065.2); c.4389C>T, p.Gly1463= (NM_001378190.1); c.4515C>T, p.Gly1505= (NM_001378191.1); c.4410C>T, p.Gly1470= (NM_001378192.1); c.4329C>T, p.Gly1443= (NM_001378193.1); c.4254C>T, p.Gly1418= (NM_001378194.1); c.4242C>T, p.Gly1414= (NM_001378195.1, NM_001378196.1); c.4182C>T, p.Gly1394= (NM_001378197.1); and 11 more.
Identifiers: ClinVar variation 346714 (VCV000346714.20), dbSNP rs184958084, ClinGen allele CA2497832.

ClinVar aggregate classification (germline): Benign/Likely benign. Review status: criteria provided, multiple submitters, no conflicts (2 of 4 stars). 6 submissions from 6 submitters: Benign (1); Likely benign (2). 3 of the submissions do not count toward it. Last evaluated 2025-12-26.

Conditions:
ROBO2-related disorder. Also called: ROBO2-related condition.
Vesicoureteral reflux 2 (VUR2). Identifiers: Orphanet 289365, MedGen C1970483, MONDO:0012573, OMIM 610878.

Allele frequency attached by ClinVar (database versions not stated): ESP Exome Variant Server 0.00032; gnomAD 0.00042 and 0.00045; ExAC 0.00046; 1000 Genomes Project 30x 0.00047; gnomAD exomes 0.00048 and 0.00058; 1000 Genomes Project 0.00060; TOPMed 0.00077.
gnomAD v4.1: 815 of 1,614,076 alleles (0.05%); highest among the groups gnomAD compares: Middle Eastern, 0.25%; 1 homozygote.

Submissions (7):

Labcorp Genetics (formerly Invitae), Labcorp
Classification: Likely benign. Last evaluated: 2025-12-26. Review status: criteria provided, single submitter. Criteria: Invitae Variant Classification Sherloc (09022015). Collection method: clinical testing. Allele origin: germline.

Illumina Laboratory Services, Illumina
Classification: Benign for Vesicoureteral reflux 2. Last evaluated: 2018-01-13. Review status: criteria provided, single submitter. Criteria: ICSL Variant Classification Criteria 13 December 2019. Collection method: clinical testing. Allele origin: germline.
Comment: This variant was observed in the ICSL laboratory as part of a predisposition screen in an ostensibly healthy population. It had not been previously curated by ICSL or reported in the Human Gene Mutation Database (HGMD: prior to June 1st, 2018), and was therefore a candidate for classification through an automated scoring system. Utilizing variant allele frequency, disease prevalence and penetrance estimates, and inheritance mode, an automated score was calculated to assess if this variant is too frequent to cause the disease. Based on the score and internal cut-off values, a variant classified as benign is not then subjected to further curation. The score for this variant resulted in a classification of benign for this disease.

Breakthrough Genomics
Classification: Likely benign. Review status: criteria provided, single submitter. Criteria: ACMG Guidelines, 2015. Collection method: not provided. Allele origin: germline. Inheritance: Autosomal dominant inheritance. Affected: yes.

PreventionGenetics, part of Exact Sciences
Classification: Likely benign for ROBO2-related condition. Last evaluated: 2019-07-24. Review status: no assertion criteria provided. Collection method: clinical testing. Allele origin: germline. Not counted in ClinVar's aggregate classification.
Comment: This variant is classified as likely benign based on ACMG/AMP sequence variant interpretation guidelines (Richards et al. 2015 PMID: 25741868, with internal and published modifications).

Clinical Genetics DNA and cytogenetics Diagnostics Lab, Erasmus MC, Erasmus Medical Center
Classification: Likely benign. Review status: no assertion criteria provided. Collection method: clinical testing. Allele origin: germline. Affected: yes. Study: VKGL Data-share Consensus. Not counted in ClinVar's aggregate classification.

Dr. Peter K. Rogan Lab, Western University
No classification provided (evidence only). Condition: Cervical cancer. Review status: no classification provided. Collection method: in vitro. Allele origin: not applicable. Functional consequence: retained intron. Not counted in ClinVar's aggregate classification.

Genome Diagnostics Laboratory, University Medical Center Utrecht
Classification: Likely benign. Review status: no assertion criteria provided. Collection method: clinical testing. Allele origin: germline. Affected: yes. Study: VKGL Data-share Consensus. Not counted in ClinVar's aggregate classification.